The following is an entry in ClinVar:

ClinVar aggregate classification (germline): Conflicting classifications of pathogenicity. Review status: criteria provided, conflicting classifications (1 of 4 stars). 4 submissions from 4 submitters: Uncertain significance (1); Likely benign (3). Last evaluated 2026-02-18.

Conditions:
DNAJB2-related disorder. Also called: DNAJB2-related condition.
Neuronopathy, distal hereditary motor, autosomal recessive 5. Also called: Young adult-onset distal hereditary motor neuropathy; NEUROPATHY, DISTAL HEREDITARY MOTOR, AUTOSOMAL RECESSIVE 5; Spinal muscular atrophy, distal, autosomal recessive, 5. Identifiers: Orphanet 314485, Orphanet 443950, MedGen C4749918, MONDO:0013947, OMIM 614881.
Charcot-Marie-Tooth disease. Also called: Charcot-Marie-Tooth Neuropathy; Charcot-Marie-Tooth Hereditary Neuropathy. Identifiers: Orphanet 166, MedGen C0007959, MONDO:0015626.

Allele frequency attached by ClinVar (database versions not stated): gnomAD exomes 0.00002 and 0.00004; ExAC 0.00004; gnomAD 0.00004 and 0.00005; ESP Exome Variant Server 0.00008; TOPMed 0.00008; 1000 Genomes Project 0.00040; 1000 Genomes Project 30x 0.00047.
gnomAD v4.1: 43 of 1,595,130 alleles (0.0027%); highest among the groups gnomAD compares: Admixed American, 0.014%; no homozygotes.

Submissions (4):

PreventionGenetics, part of Exact Sciences
Classification: Likely benign for DNAJB2-related condition. Last evaluated: 2026-02-18. Review status: criteria provided, single submitter. Criteria: ACMG Guidelines, 2015. Collection method: clinical testing. Allele origin: germline.
Comment: This variant is classified as likely benign based on ACMG/AMP sequence variant interpretation guidelines (Richards et al. 2015 PMID: 25741868, with internal and published modifications).

CeGaT Center for Human Genetics Tuebingen
Classification: Likely benign. Last evaluated: 2026-01-01. Review status: criteria provided, single submitter. Criteria: CeGaT Center For Human Genetics Tuebingen Variant Classification Criteria Version 2. Collection method: clinical testing. Allele origin: germline. Affected: yes. Observed: 1 variant allele.
Comment: DNAJB2: BP4, BP7

Labcorp Genetics (formerly Invitae), Labcorp
Classification: Uncertain significance for Neuronopathy, distal hereditary motor, autosomal recessive 5. Last evaluated: 2024-04-23. Review status: criteria provided, single submitter. Criteria: Invitae Variant Classification Sherloc (09022015). Collection method: clinical testing. Allele origin: germline.
Comment: This sequence change affects codon 148 of the DNAJB2 mRNA. It is a 'silent' change, meaning that it does not change the encoded amino acid sequence of the DNAJB2 protein. It affects a nucleotide within the consensus splice site. This variant is present in population databases (rs200554674, gnomAD 0.01%). This variant has not been reported in the literature in individuals affected with DNAJB2-related conditions. ClinVar contains an entry for this variant (Variation ID: 917200). Algorithms developed to predict the effect of sequence changes on RNA splicing suggest that this variant is not likely to affect RNA splicing. In summary, the available evidence is currently insufficient to determine the role of this variant in disease. Therefore, it has been classified as a Variant of Uncertain Significance.

Molecular Genetics Laboratory, London Health Sciences Centre
Classification: Likely benign for Charcot-Marie-Tooth disease. Review status: criteria provided, single submitter. Criteria: ACMG Guidelines, 2015. Collection method: clinical testing. Allele origin: germline. Affected: yes.

NM_006736.6(DNAJB2):c.444C>T (p.Ser148=)

Gene: DNAJB2 (DnaJ heat shock protein family (Hsp40) member B2; plus strand). Cytogenetic location: 2q35.
Variant type: single nucleotide variant.
Coding change: c.444C>T on transcript NM_006736.6 (MANE Select); coding-DNA position 444, C replaced by T.
Protein change: p.Ser148=; no amino-acid change (serine 148 retained).
Molecular consequence: synonymous variant.
Genome position (GRCh38, 1-based): chr2:219,282,928, C>T. VCF-style: chr2-219282928-C-T. GRCh37 (hg19) VCF-style: chr2-220147650-C-T.
Other names: c.444C>T, p.Ser148= (NM_001039550.2).
Identifiers: ClinVar variation 917200 (VCV000917200.14), dbSNP rs200554674, ClinGen allele CA2122972.